The following is an entry in ClinVar:

ClinVar aggregate classification (germline): Uncertain significance (1 of 4 stars; one submission).

Conditions:
3-methylcrotonyl-CoA carboxylase 1 deficiency (MCC1D). Also called: MCCD TYPE 1; METHYLCROTONYLGLYCINURIA TYPE I; MCC 1 deficiency; 3 Alpha methylcrotonylglycinuria 1. Identifiers: Orphanet 6, MedGen CN028786, MONDO:0008861, OMIM 210200.

Submission:

Labcorp Genetics (formerly Invitae), Labcorp
Classification: Uncertain significance for 3-methylcrotonyl-CoA carboxylase 1 deficiency. Last evaluated: 2020-10-01. Review status: criteria provided, single submitter. Criteria: Invitae Variant Classification Sherloc (09022015). Collection method: clinical testing. Allele origin: germline.
Comment: In summary, the available evidence is currently insufficient to determine the role of this variant in disease. Therefore, it has been classified as a Variant of Uncertain Significance. This sequence change replaces histidine with arginine at codon 684 of the MCCC1 protein (p.His684Arg). The histidine residue is highly conserved and there is a small physicochemical difference between histidine and arginine. This variant is not present in population databases (ExAC no frequency). This variant has not been reported in the literature in individuals with MCCC1-related disease. Algorithms developed to predict the effect of missense changes on protein structure and function do not agree on the potential impact of this missense change (SIFT: "Tolerated"; PolyPhen-2: "Possibly Damaging"; Align-GVGD: "Class C0").

NM_020166.5(MCCC1):c.2051A>G (p.His684Arg)

Gene: MCCC1 (methylcrotonyl-CoA carboxylase subunit 1; minus strand). Cytogenetic location: 3q27.1.
Variant type: single nucleotide variant.
Coding change: c.2051A>G on transcript NM_020166.5 (MANE Select); coding-DNA position 2051, A replaced by G.
Protein change: p.His684Arg; replaces histidine 684 with arginine.
Molecular consequence: missense variant. On other transcripts: non-coding transcript variant (2).
Genome position (GRCh38, 1-based): chr3:183,015,565, T>C on the plus strand (A>G on the coding strand, the complement: MCCC1 is on the minus strand). VCF-style: chr3-183015565-T-C. GRCh37 (hg19) VCF-style: chr3-182733353-T-C.
Other names: c.1700A>G, p.His567Arg (NM_001293273.2); c.1724A>G, p.His575Arg (NM_001363880.1); short protein forms H684R, H575R, H567R.
Identifiers: ClinVar variation 542947 (VCV000542947.8), dbSNP rs1553848994, ClinGen allele CA355313461.